The following is an entry in ClinVar:

ClinVar aggregate classification (germline): Uncertain significance (1 of 4 stars; one submission).

Conditions:
Epidermolysis bullosa simplex 3, localized or generalized intermediate, with BP230 deficiency (EBS3). Also called: Epidermolysis bullosa simplex, autosomal recessive 2; Epidermolysis bullosa simplex due to BP230 deficiency. Identifiers: Orphanet 412181, MedGen C3809470, MONDO:0014180, OMIM 615425.
Hereditary sensory and autonomic neuropathy type 6. Also called: HSAN VI; Neuropathy, hereditary sensory and autonomic, type VI. Identifiers: Orphanet 314381, MedGen C3539003, MONDO:0013839, OMIM 614653.

Allele frequency attached by ClinVar (database versions not stated): ExAC 0.00001; TOPMed 0.00003; gnomAD 0.00004.
gnomAD v4.1: 34 of 1,464,994 alleles (0.0023%); highest among the groups gnomAD compares: Non-Finnish European, 0.0026%; no homozygotes.

Submission:

Labcorp Genetics (formerly Invitae), Labcorp
Classification: Uncertain significance for Epidermolysis bullosa simplex 3, localized or generalized intermediate, with BP230 deficiency; Hereditary sensory and autonomic neuropathy type 6. Last evaluated: 2021-09-08. Review status: criteria provided, single submitter. Criteria: Invitae Variant Classification Sherloc (09022015). Collection method: clinical testing. Allele origin: germline.

NM_001374736.1(DST):c.17593C>T (p.Arg5865Trp)

Gene: DST (dystonin; minus strand). Cytogenetic location: 6p12.1.
Variant type: single nucleotide variant.
Coding change: c.17593C>T on transcript NM_001374736.1 (MANE Select); coding-DNA position 17593, C replaced by T.
Protein change: p.Arg5865Trp; replaces arginine 5865 with tryptophan.
Molecular consequence: missense variant. On other transcripts: intron variant (2).
Genome position (GRCh38, 1-based): chr6:56,529,450, G>A on the plus strand (C>T on the coding strand, the complement: DST is on the minus strand). VCF-style: chr6-56529450-G-A. GRCh37 (hg19) VCF-style: chr6-56394248-G-A.
Other names: c.11236C>T, p.Arg3746Trp (NM_001144769.5); c.10822C>T, p.Arg3608Trp (NM_001144770.2); c.17593C>T, p.Arg5865Trp (NM_001374722.1); c.17620C>T, p.Arg5874Trp (NM_001374734.1); c.10702C>T, p.Arg3568Trp (NM_001386100.1, NM_183380.4); c.9724C>T, p.Arg3242Trp (NM_015548.5); c.10377+524C>T (NM_001374730.1); c.16635+524C>T (NM_001374729.1); and 1 more; short protein forms R3242W, R3568W, R3608W, R3746W, R5865W, R5874W.
Identifiers: ClinVar variation 1001772 (VCV001001772.6), dbSNP rs766911461, ClinGen allele CA3867413.